The following is an entry in ClinVar:

ClinVar aggregate classification (germline): Uncertain significance. Review status: criteria provided, multiple submitters, no conflicts (2 of 4 stars). 2 submissions from 2 submitters: Uncertain significance (2). Last evaluated 2022-07-27.

Conditions:
Nemaline myopathy 2 (NEM2). Also called: Nemaline myopathy 2, autosomal recessive. Identifiers: MedGen C1850569, MONDO:0009725, OMIM 256030.

Allele frequency attached by ClinVar (database versions not stated): gnomAD 0.00001 and 0.00002; gnomAD exomes 0.00001 and 0.00002; TOPMed 0.00001; ExAC 0.00002.
gnomAD v4.1: 9 of 1,613,126 alleles (0.00056%); highest among the groups gnomAD compares: South Asian, 0.0055%; no homozygotes.

Submissions (2):

Revvity Omics, Revvity
Classification: Uncertain significance. Last evaluated: 2022-07-27. Review status: criteria provided, single submitter. Criteria: ACMG Guidelines, 2015. Collection method: clinical testing. Allele origin: germline.

Labcorp Genetics (formerly Invitae), Labcorp
Classification: Uncertain significance for Nemaline myopathy 2. Last evaluated: 2021-06-15. Review status: criteria provided, single submitter. Criteria: Invitae Variant Classification Sherloc (09022015). Collection method: clinical testing. Allele origin: germline.
Comment: This sequence change falls in intron 132 of the NEB gene. It does not directly change the encoded amino acid sequence of the NEB protein. It affects a nucleotide within the consensus splice site of the intron. This variant is present in population databases (rs763862179, ExAC 0.01%). This variant has not been reported in the literature in individuals with NEB-related conditions. Nucleotide substitutions within the consensus splice site are a relatively common cause of aberrant splicing (PMID: 17576681, 9536098). Algorithms developed to predict the effect of sequence changes on RNA splicing suggest that this variant may disrupt the consensus splice site, but this prediction has not been confirmed by published transcriptional studies. In summary, the available evidence is currently insufficient to determine the role of this variant in disease. Therefore, it has been classified as a Variant of Uncertain Significance.

Literature cited by the submitters: PubMed 17576681 (cited by Labcorp Genetics (formerly Invitae), Labcorp); PubMed 9536098 (cited by Labcorp Genetics (formerly Invitae), Labcorp).

NM_001164508.2(NEB):c.20262+3G>A

Gene: NEB (nebulin; minus strand). Cytogenetic location: 2q23.3.
Variant type: single nucleotide variant.
Coding change: c.20262+3G>A on transcript NM_001164508.2 (MANE Select); 3 bases into the intron after coding-DNA position 20262, G replaced by A.
Molecular consequence: intron variant.
Genome position (GRCh38, 1-based): chr2:151,547,631, C>T on the plus strand (G>A on the coding strand, the complement: NEB is on the minus strand). VCF-style: chr2-151547631-C-T. GRCh37 (hg19) VCF-style: chr2-152404145-C-T.
Other names: c.15159+3G>A (NM_004543.5); c.20262+3G>A (NM_001164507.2, NM_001271208.2).
Identifiers: ClinVar variation 1501650 (VCV001501650.5), dbSNP rs763862179, ClinGen allele CA1907377.
Genomic context (GRCh38, chr2:151,547,631, plus strand): 5'-AGACCGAATGATTAACATTCATCCCTAGTCTCTACTCCCTGTCTTTCCTAAGAAAATACC[C>T]ACCTCACTGACAGCCTCTTGTGTCTTCTTGACTTGGCGGATCTCAGGGGTATCGGGAGTT-3'